The following is an entry in ClinVar:

ClinVar aggregate classification (germline): Uncertain significance (1 of 4 stars; one submission).

Conditions:
Dowling-Degos disease 2 (DDD2). Identifiers: Orphanet 79145, MedGen C3809147, MONDO:0014130, OMIM 615327.

Allele frequency attached by ClinVar (database versions not stated): gnomAD 0.00002.
gnomAD v4.1: 71 of 1,613,864 alleles (0.0044%); highest among the groups gnomAD compares: Non-Finnish European, 0.0058%; no homozygotes.

Submission:

Labcorp Genetics (formerly Invitae), Labcorp
Classification: Uncertain significance for Dowling-Degos disease 2. Last evaluated: 2022-09-22. Review status: criteria provided, single submitter. Criteria: Invitae Variant Classification Sherloc (09022015). Collection method: clinical testing. Allele origin: germline.
Comment: In summary, the available evidence is currently insufficient to determine the role of this variant in disease. Therefore, it has been classified as a Variant of Uncertain Significance. Algorithms developed to predict the effect of missense changes on protein structure and function are either unavailable or do not agree on the potential impact of this missense change (SIFT: "Deleterious"; PolyPhen-2: "Probably Damaging"; Align-GVGD: "Class C0"). This variant has not been reported in the literature in individuals affected with POFUT1-related conditions. This variant is present in population databases (rs745942782, gnomAD 0.003%). This sequence change replaces asparagine, which is neutral and polar, with threonine, which is neutral and polar, at codon 82 of the POFUT1 protein (p.Asn82Thr).

NM_015352.2(POFUT1):c.245A>C (p.Asn82Thr)

Gene: POFUT1 (protein O-fucosyltransferase 1; plus strand). Cytogenetic location: 20q11.21.
Variant type: single nucleotide variant.
Coding change: c.245A>C on transcript NM_015352.2 (MANE Select); coding-DNA position 245, A replaced by C.
Protein change: p.Asn82Thr; replaces asparagine 82 with threonine.
Molecular consequence: missense variant.
Genome position (GRCh38, 1-based): chr20:32,210,191, A>C. VCF-style: chr20-32210191-A-C. GRCh37 (hg19) VCF-style: chr20-30797994-A-C.
Other names: c.245A>C, p.Asn82Thr (NM_172236.2); short protein forms N82T.
Identifiers: ClinVar variation 1984968 (VCV001984968.4), dbSNP rs745942782, ClinGen allele CA9807136.
Genomic context (GRCh38, chr20:32,210,191, plus strand): 5'-ACCGTACCTTGGCTGTCCCTCCTTGGATTGAGTACCAGCATCACAAGCCTCCTTTCACCA[A>C]CGTGAGTACTTCCCACTGACCTTGGCCTTTCTCCGCCCTTTCTCAGTCTTGCTTACTTAC-3'
Protein context (NP_056167.1, residues 72-92): EYQHHKPPFT[Asn82Thr]LHVSYQKYFK